The following is an entry in ClinVar:

ClinVar aggregate classification (germline): Uncertain significance. Review status: criteria provided, multiple submitters, no conflicts (2 of 4 stars). 2 submissions from 2 submitters: Uncertain significance (2). Last evaluated 2025-11-13.

Conditions:
Brugada syndrome 5 (BRGDA5). Identifiers: Orphanet 130, Orphanet 871, MedGen C2748541, MONDO:0013015, OMIM 612838.

Allele frequency attached by ClinVar (database versions not stated): gnomAD exomes 0.00001 and 0.00005; ExAC 0.00003; TOPMed 0.00003; gnomAD 0.00005 and 0.00006.

Submissions (2):

Labcorp Genetics (formerly Invitae), Labcorp
Classification: Uncertain significance for Brugada syndrome 5. Last evaluated: 2025-11-13. Review status: criteria provided, single submitter. Criteria: Invitae Variant Classification Sherloc (09022015). Collection method: clinical testing. Allele origin: germline.
Comment: This sequence change replaces serine, which is neutral and polar, with glycine, which is neutral and non-polar, at codon 198 of the SCN1B protein (p.Ser198Gly). This variant is present in population databases (rs763402433, gnomAD 0.03%). This missense change has been observed in individual(s) with Brugada syndrome (PMID: 24981977). ClinVar contains an entry for this variant (Variation ID: 190864). An algorithm developed to predict the effect of missense changes on protein structure and function (PolyPhen-2) suggests that this variant is likely to be tolerated. In summary, the available evidence is currently insufficient to determine the role of this variant in disease. Therefore, it has been classified as a Variant of Uncertain Significance.

GeneDx
Classification: Uncertain significance. Last evaluated: 2014-03-29. Review status: criteria provided, single submitter. Criteria: GeneDx Variant Classification (06012015). Collection method: clinical testing. Allele origin: germline. Affected: yes.
Comment: p.Ser198Gly (AGC>GGC): c.592 A>G in exon 3 of the SCN1B gene (NM_199037.2). The S198G variant has not been published as a mutation, nor has it been reported as a benign polymorphism to our knowledge. The S198G variant was not observed in approximately 3600 individuals of European and African American ancestry in the NHLBI Exome Sequencing Project, indicating it is not a common benign variant in these populations. One missense mutation in a nearby residue (Q204R) has been reported in association with Brugada syndrome. The S198G variant is a non-conservative amino acid substitution, which is likely to impact secondary protein structure as these residues differ in polarity, charge, size and/or other properties. However, this substitution occurs in an alternate transcript of the SCN1B protein at a position that is not conserved across species. In silico analysis predicts this variant likely does not alter the protein structure/function. Therefore, based on the currently available information, it is unclear whether this variant is a pathogenic mutation or a rare benign variant. Brugada syndrome is primarily an autosomal dominant disease characterized by ST segment elevation on ECG in the absence of structural heart disease, associated with increased risk for syncope, ventricular tachyarrhythmia and sudden cardiac death. Brugada syndrome is most frequently caused by mutations in the genes encoding cardiac ion channel proteins, which regulate sodium and calcium movement in and out of cardiac cells (Fowler S et al., 2008; Hedley P et al., 2009). Although rare, mutations in the SCN1B gene have been reported in association with Brugada syndrome (Brugada R et al., 2012). The variant is found in BRUGADA panel(s).

Literature cited by the submitters: PubMed 24981977 (cited by Labcorp Genetics (formerly Invitae), Labcorp).

NM_001037.5(SCN1B):c.448+144A>G

Gene: SCN1B (sodium voltage-gated channel beta subunit 1; plus strand). Cytogenetic location: 19q13.11.
Variant type: single nucleotide variant.
Coding change: c.448+144A>G on transcript NM_001037.5 (MANE Select); 144 bases into the intron after coding-DNA position 448, A replaced by G.
Molecular consequence: intron variant. On other transcripts: missense variant (1).
Genome position (GRCh38, 1-based): chr19:35,033,883, A>G. VCF-style: chr19-35033883-A-G. GRCh37 (hg19) VCF-style: chr19-35524787-A-G.
Other names: p.S198G:AGC>GGC; c.592A>G, p.Ser198Gly (NM_199037.5); c.349+144A>G (NM_001321605.2); short protein forms S198G.
Identifiers: ClinVar variation 190864 (VCV000190864.9), dbSNP rs763402433, ClinGen allele CA302163.
Genomic context (GRCh38, chr19:35,033,883, plus strand): 5'-GGCTGGCTCTGTGCCTGGCCAGCCAACCGCCCACAGCAGCGGGCTGAGGGGGAGGGGAGC[A>G]GCCCCTCCTGCCCACTCCAGCTCTGGCCTCTGTTTCTCTCCAGCCCACGGAGAGGTCAAA-3'